The following is an entry in ClinVar:

NM_001350451.2(RBFOX3):c.1052C>T (p.Ala351Val)

Gene: RBFOX3 (RNA binding fox-1 homolog 3; minus strand). Cytogenetic location: 17q25.3.
Variant type: single nucleotide variant.
Coding change: c.1052C>T on transcript NM_001350451.2 (MANE Select); coding-DNA position 1052, C replaced by T.
Protein change: p.Ala351Val; replaces alanine 351 with valine.
Molecular consequence: missense variant.
Genome position (GRCh38, 1-based): chr17:79,094,476, G>A on the plus strand (C>T on the coding strand, the complement: RBFOX3 is on the minus strand). VCF-style: chr17-79094476-G-A. GRCh37 (hg19) VCF-style: chr17-77090558-G-A.
Other names: c.911C>T, p.Ala304Val (NM_001082575.3, NM_001350453.2, NM_001385825.1 and 16 more transcripts); c.1052C>T, p.Ala351Val (NM_001385804.1, NM_001385805.1, NM_001385807.1 and 14 more transcripts); c.1049C>T, p.Ala350Val (NM_001385806.1, NM_001385822.1, NM_001385823.1); c.959C>T, p.Ala320Val (NM_001385824.1); c.932C>T, p.Ala311Val (NM_001385827.1); c.908C>T, p.Ala303Val (NM_001385843.1, NM_001385844.1, NM_001385845.1 and 1 more transcripts); c.764C>T, p.Ala255Val (NM_001385847.1); short protein forms A311V, A350V, A351V, A255V, A303V, A304V, A320V.
Identifiers: ClinVar variation 2904183 (VCV002904183.3), dbSNP rs1417427470, ClinGen allele CA401315663.

ClinVar aggregate classification (germline): Uncertain significance (1 of 4 stars; one submission).

Conditions:
Idiopathic generalized epilepsy. Also called: Generalised epilepsy; EIG. Identifiers: MedGen C0270850, MONDO:0005579, OMIM 600669.

Allele frequency attached by ClinVar (database versions not stated): gnomAD exomes below 0.00001.

Submission:

Labcorp Genetics (formerly Invitae), Labcorp
Classification: Uncertain significance for Idiopathic generalized epilepsy. Last evaluated: 2024-03-04. Review status: criteria provided, single submitter. Criteria: Invitae Variant Classification Sherloc (09022015). Collection method: clinical testing. Allele origin: germline.
Comment: This sequence change replaces alanine, which is neutral and non-polar, with valine, which is neutral and non-polar, at codon 304 of the RBFOX3 protein (p.Ala304Val). This variant is not present in population databases (gnomAD no frequency). This variant has not been reported in the literature in individuals affected with RBFOX3-related conditions. Advanced modeling of protein sequence and biophysical properties (such as structural, functional, and spatial information, amino acid conservation, physicochemical variation, residue mobility, and thermodynamic stability) performed at Invitae indicates that this missense variant is not expected to disrupt RBFOX3 protein function with a negative predictive value of 80%. In summary, the available evidence is currently insufficient to determine the role of this variant in disease. Therefore, it has been classified as a Variant of Uncertain Significance.